The following is an entry in ClinVar:

NM_014991.6(WDFY3):c.2310T>A (p.Ile770=)

Genes: WDFY3 (WD repeat and FYVE domain containing 3; minus strand), WDFY3-AS1 (WDFY3 antisense RNA 1; plus strand). Cytogenetic location: 4q21.23.
Variant type: single nucleotide variant.
Coding change: c.2310T>A on transcript NM_014991.6 (MANE Select); coding-DNA position 2310, T replaced by A.
Protein change: p.Ile770=; no amino-acid change (isoleucine 770 retained).
Molecular consequence: synonymous variant.
Genome position (GRCh38, 1-based): chr4:84,809,922, A>T on the plus strand (T>A on the coding strand, the complement: WDFY3 is on the minus strand). VCF-style: chr4-84809922-A-T. GRCh37 (hg19) VCF-style: chr4-85731075-A-T.
Identifiers: ClinVar variation 2654880 (VCV002654880.24), dbSNP rs1408745061, ClinGen allele CA440235799.

ClinVar aggregate classification (germline): Likely benign (1 of 4 stars; one submission).

Submission:

CeGaT Center for Human Genetics Tuebingen
Classification: Likely benign. Last evaluated: 2023-08-01. Review status: criteria provided, single submitter. Criteria: CeGaT Center For Human Genetics Tuebingen Variant Classification Criteria Version 2. Collection method: clinical testing. Allele origin: germline. Affected: yes. Observed: 1 variant allele.
Comment: WDFY3: PM2:Supporting, BP4, BP7